The following is an entry in ClinVar:

NM_139076.3(ABRAXAS1):c.658G>A (p.Ala220Thr)

Gene: ABRAXAS1 (abraxas 1, BRCA1 A complex subunit; minus strand). Cytogenetic location: 4q21.23.
Variant type: single nucleotide variant.
Coding change: c.658G>A on transcript NM_139076.3 (MANE Select); coding-DNA position 658, G replaced by A.
Protein change: p.Ala220Thr; replaces alanine 220 with threonine.
Molecular consequence: missense variant.
Genome position (GRCh38, 1-based): chr4:83,467,477, C>T on the plus strand (G>A on the coding strand, the complement: ABRAXAS1 is on the minus strand). VCF-style: chr4-83467477-C-T. GRCh37 (hg19) VCF-style: chr4-84388630-C-T.
Other names: c.331G>A, p.Ala111Thr (NM_001345962.2); short protein forms A111T, A220T.
Identifiers: ClinVar variation 648259 (VCV000648259.14), dbSNP rs748861737, ClinGen allele CA2990490.

ClinVar aggregate classification (germline): Conflicting classifications of pathogenicity. Review status: criteria provided, conflicting classifications (1 of 4 stars). 3 submissions from 3 submitters: Uncertain significance (2); Likely benign (1). Last evaluated 2025-05-13.

Allele frequency attached by ClinVar (database versions not stated): ExAC 0.00001; gnomAD 0.00001; gnomAD exomes 0.00001 and 0.00002; TOPMed 0.00002.
gnomAD v4.1: 34 of 1,554,390 alleles (0.0022%); highest among the groups gnomAD compares: Non-Finnish European, 0.0027%; no homozygotes.

Submissions (3):

Labcorp Genetics (formerly Invitae), Labcorp
Classification: Uncertain significance. Last evaluated: 2025-05-13. Review status: criteria provided, single submitter. Criteria: Invitae Variant Classification Sherloc (09022015). Collection method: clinical testing. Allele origin: germline.
Comment: This sequence change replaces alanine, which is neutral and non-polar, with threonine, which is neutral and polar, at codon 220 of the ABRAXAS1 protein (p.Ala220Thr). This variant is present in population databases (rs748861737, gnomAD 0.002%). This variant has not been reported in the literature in individuals affected with ABRAXAS1-related conditions. ClinVar contains an entry for this variant (Variation ID: 648259). Invitae Evidence Modeling of protein sequence and biophysical properties (such as structural, functional, and spatial information, amino acid conservation, physicochemical variation, residue mobility, and thermodynamic stability) indicates that this missense variant is not expected to disrupt ABRAXAS1 protein function with a negative predictive value of 80%. In summary, the available evidence is currently insufficient to determine the role of this variant in disease. Therefore, it has been classified as a Variant of Uncertain Significance.

Ambry Genetics
Classification: Likely benign. Last evaluated: 2024-03-25. Review status: criteria provided, single submitter. Criteria: Ambry Variant Classification Scheme 2023. Collection method: clinical testing. Allele origin: germline.

Women's Health and Genetics/Laboratory Corporation of America, LabCorp
Classification: Uncertain significance. Last evaluated: 2019-01-25. Review status: criteria provided, single submitter. Criteria: LabCorp Variant Classification Summary - May 2015. Collection method: clinical testing. Allele origin: germline.
Comment: Variant summary: FAM175A c.658G>A (p.Ala220Thr) results in a non-conservative amino acid change in the encoded protein sequence. Four of five in-silico tools predict a benign effect of the variant on protein function. The variant allele was found at a frequency of 8.3e-06 in 241696 control chromosomes. The available data on variant occurrences in the general population are insufficient to allow any conclusion about variant significance. To our knowledge, no occurrence of c.658G>A in individuals affected with Hereditary Breast and Ovarian Cancer and no experimental evidence demonstrating its impact on protein function have been reported. No clinical diagnostic laboratories have submitted clinical-significance assessments for this variant to ClinVar after 2014. Based on the evidence outlined above, the variant was classified as uncertain significance.